The following is an entry in ClinVar:

NM_006231.4(POLE):c.910-19T>C

Gene: POLE (DNA polymerase epsilon, catalytic subunit; minus strand). Cytogenetic location: 12q24.33.
Variant type: single nucleotide variant.
Coding change: c.910-19T>C on transcript NM_006231.4 (MANE Select); 19 bases into the intron before coding-DNA position 910, T replaced by C.
Molecular consequence: intron variant.
Genome position (GRCh38, 1-based): chr12:132,676,223, A>G on the plus strand (T>C on the coding strand, the complement: POLE is on the minus strand). VCF-style: chr12-132676223-A-G. GRCh37 (hg19) VCF-style: chr12-133252809-A-G.
Identifiers: ClinVar variation 1608540 (VCV001608540.9), dbSNP rs2136014263, ClinGen allele CA2573148121.

ClinVar aggregate classification (germline): Likely benign. Review status: criteria provided, multiple submitters, no conflicts (2 of 4 stars). 2 submissions from 2 submitters: Likely benign (2). Last evaluated 2025-02-07.

Conditions:
Colorectal cancer, susceptibility to, 12 (CRCS12). Also called: COLORECTAL CANCER, SUSCEPTIBILITY TO, ON CHROMOSOME 12q24. Identifiers: Orphanet 220460, MedGen C3554460, MONDO:0014038, OMIM 615083.

Submissions (2):

Myriad Genetics, Inc.
Classification: Likely benign for Colorectal cancer, susceptibility to, 12. Last evaluated: 2025-02-07. Review status: criteria provided, single submitter. Criteria: Myriad Autosomal Dominant, Autosomal Recessive and X-Linked Classification Criteria (2023). Collection method: clinical testing. Allele origin: unknown.
Comment: This variant is considered likely benign. This variant is intronic and is not expected to impact mRNA splicing.

Labcorp Genetics (formerly Invitae), Labcorp
Classification: Likely benign. Last evaluated: 2022-04-07. Review status: criteria provided, single submitter. Criteria: Invitae Variant Classification Sherloc (09022015). Collection method: clinical testing. Allele origin: germline.